The following is an entry in ClinVar:

ClinVar aggregate classification (germline): Benign. Review status: criteria provided, multiple submitters, no conflicts (2 of 4 stars). 4 submissions from 4 submitters: Benign (4). Last evaluated 2026-02-02.

Conditions:
Immunodeficiency 104. Also called: Severe combined immunodeficiency, autosomal recessive, T cell-negative, B cell-positive, NK cell-positive; IMMUNODEFICIENCY 104, SEVERE COMBINED; Severe Combined Immune Deficiency, Autosomal Recessive, TCell -Negative, B Cell-Positive, NK Cell-Positive, IL7R-Related; SCID, AUTOSOMAL RECESSIVE, T CELL-NEGATIVE, B CELL-POSITIVE, NK CELL-POSITIVE. Identifiers: MedGen C5676890, MONDO:0012163, OMIM 608971.

Allele frequency attached by ClinVar (database versions not stated): gnomAD exomes 0.00149 and 0.00401; ExAC 0.00519; ESP Exome Variant Server 0.01124; gnomAD 0.01541 and 0.01674; TOPMed 0.01734; 1000 Genomes Project 0.01737; 1000 Genomes Project 30x 0.01749.
gnomAD v4.1: 4,598 of 1,609,966 alleles (0.29%); highest among the groups gnomAD compares: African/African-American, 5.3%; 104 homozygotes.

Submissions (4):

Labcorp Genetics (formerly Invitae), Labcorp
Classification: Benign for Immunodeficiency 104. Last evaluated: 2026-02-02. Review status: criteria provided, single submitter. Criteria: Invitae Variant Classification Sherloc (09022015). Collection method: clinical testing. Allele origin: germline.

Women's Health and Genetics/Laboratory Corporation of America, LabCorp
Classification: Benign. Last evaluated: 2026-01-22. Review status: criteria provided, single submitter. Criteria: LabCorp Variant Classification Summary - May 2015. Collection method: clinical testing. Allele origin: germline.

GeneDx
Classification: Benign. Last evaluated: 2016-03-03. Review status: criteria provided, single submitter. Criteria: GeneDx Variant Classification (06012015). Collection method: clinical testing. Allele origin: germline. Affected: yes.
Comment: This variant is considered likely benign or benign based on one or more of the following criteria: it is a conservative change, it occurs at a poorly conserved position in the protein, it is predicted to be benign by multiple in silico algorithms, and/or has population frequency not consistent with disease.

Breakthrough Genomics
Classification: Benign. Review status: criteria provided, single submitter. Criteria: ACMG Guidelines, 2015. Collection method: not provided. Allele origin: germline. Inheritance: Autosomal recessive inheritance. Affected: yes.

NM_002838.5(PTPRC):c.1829+19T>A

Gene: PTPRC (protein tyrosine phosphatase receptor type C; plus strand). Cytogenetic location: 1q32.1.
Variant type: single nucleotide variant.
Coding change: c.1829+19T>A on transcript NM_002838.5 (MANE Select); 19 bases into the intron after coding-DNA position 1829, T replaced by A.
Molecular consequence: intron variant.
Genome position (GRCh38, 1-based): chr1:198,728,467, T>A. VCF-style: chr1-198728467-T-A. GRCh37 (hg19) VCF-style: chr1-198697596-T-A.
Other names: c.1346+19T>A (NM_080921.4).
Identifiers: ClinVar variation 378446 (VCV000378446.12), dbSNP rs10919562, ClinGen allele CA1314902.
Genomic context (GRCh38, chr1:198,728,467, plus strand): 5'-TGTTCTCTACAAAATCTATGATCTACATAAGAAAAGATCCTGGTAAGAGTTGATTTTAAA[T>A]TTTTAAATAATAATGGTATTAGTAATGGTGCAAACGCATATCCATATGGCAGTGATGGAA-3'